The following is an entry in ClinVar:

ClinVar aggregate classification (germline): Uncertain significance (1 of 4 stars; one submission).

Conditions:
Perlman syndrome (PRLMNS). Identifiers: Orphanet 2849, MedGen C0796113, MONDO:0009965, OMIM 267000.

Submission:

Labcorp Genetics (formerly Invitae), Labcorp
Classification: Uncertain significance for Perlman syndrome. Last evaluated: 2023-02-25. Review status: criteria provided, single submitter. Criteria: Invitae Variant Classification Sherloc (09022015). Collection method: clinical testing. Allele origin: germline.
Comment: In summary, the available evidence is currently insufficient to determine the role of this variant in disease. Therefore, it has been classified as a Variant of Uncertain Significance. Advanced modeling of protein sequence and biophysical properties (such as structural, functional, and spatial information, amino acid conservation, physicochemical variation, residue mobility, and thermodynamic stability) performed at Invitae indicates that this missense variant is expected to disrupt DIS3L2 protein function. This variant has not been reported in the literature in individuals affected with DIS3L2-related conditions. This variant is not present in population databases (gnomAD no frequency). This sequence change replaces leucine, which is neutral and non-polar, with proline, which is neutral and non-polar, at codon 116 of the DIS3L2 protein (p.Leu116Pro).

NM_152383.5(DIS3L2):c.347T>C (p.Leu116Pro)

Gene: DIS3L2 (DIS3 like 3'-5' exoribonuclease 2; plus strand). Cytogenetic location: 2q37.1.
Variant type: single nucleotide variant.
Coding change: c.347T>C on transcript NM_152383.5 (MANE Select); coding-DNA position 347, T replaced by C.
Protein change: p.Leu116Pro; replaces leucine 116 with proline.
Molecular consequence: missense variant. On other transcripts: non-coding transcript variant (2).
Genome position (GRCh38, 1-based): chr2:232,030,061, T>C. VCF-style: chr2-232030061-T-C. GRCh37 (hg19) VCF-style: chr2-232894771-T-C.
Other names: c.347T>C, p.Leu116Pro (NM_001257281.2, NM_001257282.2); short protein forms L116P.
Identifiers: ClinVar variation 2840671 (VCV002840671.3), dbSNP rs2469623760, ClinGen allele CA351153014.
Genomic context (GRCh38, chr2:232,030,061, plus strand): 5'-TTGATGGGGTTGTTGCTCGTAATAGAGCCTTAAATGGGGATCTGGTGGTCGTGAAACTGC[T>C]TCCCGAGGAGCATTGGAAGGTGAGTTAAGTTTTCCCTTTCTAATTACAGATTTCTTAGGG-3'
Protein context (NP_689596.4, residues 106-126): LNGDLVVVKL[Leu116Pro]PEEHWKVVKP